The following is an entry in ClinVar:

NM_007294.4(BRCA1):c.2267G>A (p.Arg756Lys)

Gene: BRCA1 (BRCA1 DNA repair associated; minus strand). Cytogenetic location: 17q21.31.
Variant type: single nucleotide variant.
Coding change: c.2267G>A on transcript NM_007294.4 (MANE Select); coding-DNA position 2267, G replaced by A.
Protein change: p.Arg756Lys; replaces arginine 756 with lysine.
Molecular consequence: missense variant. On other transcripts: intron variant (137).
Genome position (GRCh38, 1-based): chr17:43,093,264, C>T on the plus strand (G>A on the coding strand, the complement: BRCA1 is on the minus strand). VCF-style: chr17-43093264-C-T. GRCh37 (hg19) VCF-style: chr17-41245281-C-T.
Other names: NP_009225.1:p.Arg756Lys; c.2057G>A, p.Arg686Lys (NM_001407887.1, NM_001407906.1, NM_001407907.1 and 13 more transcripts); c.2054G>A, p.Arg685Lys (NM_001407915.1, NM_001407916.1, NM_001407917.1 and 9 more transcripts); c.2003G>A, p.Arg668Lys (NM_001407929.1, NM_001407933.1, NM_001407935.1 and 9 more transcripts); c.2000G>A, p.Arg667Lys (NM_001407930.1, NM_001407931.1, NM_001407932.1 and 2 more transcripts); c.2144G>A, p.Arg715Lys (NM_001407937.1, NM_001407674.1, NM_001407675.1 and 19 more transcripts); c.1934G>A, p.Arg645Lys (NM_001407948.1, NM_001407949.1, NM_001407950.1 and 6 more transcripts); c.1931G>A, p.Arg644Lys (NM_001407954.1, NM_001407955.1, NM_001407956.1 and 1 more transcripts); and 42 more; short protein forms R756K, R709K, R708K, R588K, R628K, R667K, R688K, R689K.
Identifiers: ClinVar variation 441329 (VCV000441329.14), dbSNP rs975724885, ClinGen allele CA10597465.

ClinVar aggregate classification (germline): Conflicting classifications of pathogenicity. Review status: criteria provided, conflicting classifications (1 of 4 stars). 5 submissions from 5 submitters: Uncertain significance (4); Likely benign (1). Last evaluated 2025-08-29.

Conditions:
Hereditary breast ovarian cancer syndrome. Also called: Hereditary breast and ovarian cancer syndrome (HBOC); BRCA1- and BRCA2-Associated Hereditary Breast and Ovarian Cancer; Hereditary breast and/or ovarian cancer syndrome; Hereditary breast and ovarian cancer syndrome; Hereditary breast and ovarian cancer; Breast and ovarian cancer. Identifiers: Orphanet 145, MedGen C0677776, MeSH D061325, MONDO:0003582. Disease mechanism: loss of function.
Hereditary cancer-predisposing syndrome. Also called: Neoplastic Syndromes, Hereditary; Hereditary neoplastic syndrome; Tumor predisposition; Hereditary Cancer Syndrome. Identifiers: Orphanet 140162, MedGen C0027672, MeSH D009386, MONDO:0015356.
Breast-ovarian cancer, familial, susceptibility to, 1 (BROVCA1). Also called: BRCA1 Hereditary Breast and Ovarian Cancer; OVARIAN CANCER, SUSCEPTIBILITY TO. Identifiers: Orphanet 145, MedGen C2676676, MONDO:0011450, OMIM 604370. Disease mechanism: loss of function.

Allele frequency attached by ClinVar (database versions not stated): TOPMed below 0.00001.

Submissions (5):

Ambry Genetics
Classification: Uncertain significance for Hereditary cancer-predisposing syndrome. Last evaluated: 2025-08-29. Review status: criteria provided, single submitter. Criteria: Ambry Variant Classification Scheme 2023. Collection method: clinical testing. Allele origin: germline.
Comment: The p.R756K variant (also known as c.2267G>A), located in coding exon 9 of the BRCA1 gene, results from a G to A substitution at nucleotide position 2267. The arginine at codon 756 is replaced by lysine, an amino acid with highly similar properties. This alteration was identified in a population-based study of early-onset breast cancer diagnoses (Lee E et al. Breast Cancer Res., 2008 Feb;10:R19). This amino acid position is not well conserved in available vertebrate species. In addition, this alteration is predicted to be tolerated by in silico analysis. Since supporting evidence is limited at this time, the clinical significance of this alteration remains unclear.

All of Us Research Program, National Institutes of Health
Classification: Uncertain significance for Breast-ovarian cancer, familial, susceptibility to, 1. Last evaluated: 2023-04-15. Review status: criteria provided, single submitter. Criteria: ACMG Guidelines, 2015. Collection method: clinical testing. Allele origin: germline. Inheritance: Autosomal dominant inheritance. Observed: 1 variant allele, 1 heterozygote.
Comment: This study involves interpretation of variants in research participants for the purpose of population health screening. Participant phenotype was not available at the time of variant classification. Additional details can be found in publication PMID: 35346344, PMCID: PMC8962531

University of Washington Department of Laboratory Medicine, University of Washington
Classification: Likely benign for Hereditary cancer-predisposing syndrome. Last evaluated: 2023-03-23. Review status: criteria provided, single submitter. Criteria: Dines et al. (Genet Med. 2020). Collection method: curation. Allele origin: germline.
Comment: Missense variant in a coldspot region where missense variants are very unlikely to be pathogenic (PMID:31911673).

BRCA1 coldspot (exon 11 using historical exon numbering). Reclassification based on statistical prior probability

National Health Laboratory Service, Universitas Academic Hospital and University of the Free State
Classification: Uncertain significance for Hereditary breast ovarian cancer syndrome. Last evaluated: 2022-04-19. Review status: criteria provided, single submitter. Criteria: ACMG Guidelines, 2015. Collection method: clinical testing. Allele origin: germline. Affected: yes. Observed: 1 variant allele.

Color Diagnostics, LLC DBA Color Health
Classification: Uncertain significance for Hereditary cancer-predisposing syndrome. Last evaluated: 2019-06-22. Review status: criteria provided, single submitter. Criteria: ACMG Guidelines, 2015. Collection method: clinical testing. Allele origin: germline.

Literature cited by the submitters: PubMed 18284688 (cited by Ambry Genetics).